The following is an entry in ClinVar:

ClinVar aggregate classification (germline): Uncertain significance. Review status: criteria provided, multiple submitters, no conflicts (2 of 4 stars). 2 submissions from 2 submitters: Uncertain significance (2). Last evaluated 2023-10-17.

Conditions:
Neurofibromatosis, type 1 (NF1). Also called: NEUROFIBROMATOSIS, TYPE I, SOMATIC; Neurofibromatosis, type I; Peripheral type neurofibromatosis; VON RECKLINGHAUSEN DISEASE. Identifiers: Orphanet 636, MedGen C0027831, MONDO:0018975, OMIM 162200. Disease mechanism: loss of function.
Hereditary cancer-predisposing syndrome. Also called: Tumor predisposition; Neoplastic Syndromes, Hereditary; Hereditary neoplastic syndrome; Hereditary Cancer Syndrome. Identifiers: Orphanet 140162, MedGen C0027672, MeSH D009386, MONDO:0015356.
Cardiovascular phenotype. Identifiers: MedGen CN230736.

Submissions (2):

Labcorp Genetics (formerly Invitae), Labcorp
Classification: Uncertain significance for Neurofibromatosis, type 1. Last evaluated: 2023-10-17. Review status: criteria provided, single submitter. Criteria: Invitae Variant Classification Sherloc (09022015). Collection method: clinical testing. Allele origin: germline.
Comment: This sequence change replaces glycine, which is neutral and non-polar, with alanine, which is neutral and non-polar, at codon 1092 of the NF1 protein (p.Gly1092Ala). This variant is not present in population databases (gnomAD no frequency). This variant has not been reported in the literature in individuals affected with NF1-related conditions. ClinVar contains an entry for this variant (Variation ID: 2091813). Advanced modeling of protein sequence and biophysical properties (such as structural, functional, and spatial information, amino acid conservation, physicochemical variation, residue mobility, and thermodynamic stability) has been performed at Invitae for this missense variant, however the output from this modeling did not meet the statistical confidence thresholds required to predict the impact of this variant on NF1 protein function. In summary, the available evidence is currently insufficient to determine the role of this variant in disease. Therefore, it has been classified as a Variant of Uncertain Significance.

Ambry Genetics
Classification: Uncertain significance for Cardiovascular phenotype; Hereditary cancer-predisposing syndrome. Last evaluated: 2023-10-13. Review status: criteria provided, single submitter. Criteria: Ambry Variant Classification Scheme 2023. Collection method: clinical testing. Allele origin: germline.
Comment: The p.G1092A variant (also known as c.3275G>C), located in coding exon 25 of the NF1 gene, results from a G to C substitution at nucleotide position 3275. The glycine at codon 1092 is replaced by alanine, an amino acid with similar properties. This amino acid position is conserved. In addition, the in silico prediction for this alteration is inconclusive. Since supporting evidence is limited at this time, the clinical significance of this alteration remains unclear.

NM_001042492.3(NF1):c.3275G>C (p.Gly1092Ala)

Gene: NF1 (neurofibromin 1; plus strand). Cytogenetic location: 17q11.2.
Variant type: single nucleotide variant.
Coding change: c.3275G>C on transcript NM_001042492.3 (MANE Select); coding-DNA position 3275, G replaced by C.
Protein change: p.Gly1092Ala; replaces glycine 1092 with alanine.
Molecular consequence: missense variant.
Genome position (GRCh38, 1-based): chr17:31,232,150, G>C. VCF-style: chr17-31232150-G-C. GRCh37 (hg19) VCF-style: chr17-29559168-G-C.
Other names: c.3275G>C, p.Gly1092Ala (NM_000267.4); short protein forms G1092A.
Identifiers: ClinVar variation 2091813 (VCV002091813.5), dbSNP rs1597718838, ClinGen allele CA398988854.